The following is an entry in ClinVar:

NM_007294.4(BRCA1):c.4672C>G (p.Leu1558Val)

Gene: BRCA1 (BRCA1 DNA repair associated; minus strand). Cytogenetic location: 17q21.31.
Variant type: single nucleotide variant.
Coding change: c.4672C>G on transcript NM_007294.4 (MANE Select); coding-DNA position 4672, C replaced by G.
Protein change: p.Leu1558Val; replaces leucine 1558 with valine.
Molecular consequence: missense variant. On other transcripts: non-coding transcript variant (1).
Genome position (GRCh38, 1-based): chr17:43,074,334, G>C on the plus strand (C>G on the coding strand, the complement: BRCA1 is on the minus strand). VCF-style: chr17-43074334-G-C. GRCh37 (hg19) VCF-style: chr17-41226351-G-C.
Other names: c.4459C>G, p.Leu1487Val (NM_001407571.1, NM_001407896.1, NM_001407897.1 and 12 more transcripts); c.4738C>G, p.Leu1580Val (NM_001407581.1, NM_001407582.1); c.4735C>G, p.Leu1579Val (NM_001407583.1, NM_001407585.1, NM_001407587.1 and 1 more transcripts); c.4732C>G, p.Leu1578Val (NM_001407590.1, NM_001407591.1); c.4672C>G, p.Leu1558Val (NM_001407593.1, NM_001407594.1, NM_001407596.1 and 8 more transcripts); c.4669C>G, p.Leu1557Val (NM_001407610.1, NM_001407611.1, NM_001407612.1 and 17 more transcripts); c.4666C>G, p.Leu1556Val (NM_001407627.1, NM_001407628.1, NM_001407629.1 and 14 more transcripts); c.4663C>G, p.Leu1555Val (NM_001407645.1, NM_001407644.1); and 68 more; short protein forms L1558V, L1579V, L1511V, L454V, L1429V, L1469V, L1509V, L1532V.
Identifiers: ClinVar variation 479263 (VCV000479263.20), dbSNP rs1555581794, ClinGen allele CA10592166.

ClinVar aggregate classification (germline): Uncertain significance. Review status: criteria provided, multiple submitters, no conflicts (2 of 4 stars). 4 submissions from 4 submitters: Uncertain significance (4). Last evaluated 2026-01-02.

Conditions:
Hereditary cancer-predisposing syndrome. Also called: Tumor predisposition; Hereditary Cancer Syndrome; Hereditary neoplastic syndrome; Neoplastic Syndromes, Hereditary. Identifiers: Orphanet 140162, MedGen C0027672, MeSH D009386, MONDO:0015356.
Hereditary breast ovarian cancer syndrome. Also called: Breast and ovarian cancer; Hereditary breast and/or ovarian cancer syndrome; BRCA1- and BRCA2-Associated Hereditary Breast and Ovarian Cancer; Hereditary breast and ovarian cancer syndrome; Hereditary breast and ovarian cancer syndrome (HBOC); Hereditary breast and ovarian cancer. Identifiers: Orphanet 145, MedGen C0677776, MeSH D061325, MONDO:0003582. Disease mechanism: loss of function.
Breast-ovarian cancer, familial, susceptibility to, 1 (BROVCA1). Also called: BRCA1 Hereditary Breast and Ovarian Cancer; OVARIAN CANCER, SUSCEPTIBILITY TO. Identifiers: Orphanet 145, MedGen C2676676, MONDO:0011450, OMIM 604370. Disease mechanism: loss of function.

Submissions (4):

Labcorp Genetics (formerly Invitae), Labcorp
Classification: Uncertain significance for Hereditary breast ovarian cancer syndrome. Last evaluated: 2026-01-02. Review status: criteria provided, single submitter. Criteria: Invitae Variant Classification Sherloc (09022015). Collection method: clinical testing. Allele origin: germline.
Comment: This sequence change replaces leucine, which is neutral and non-polar, with valine, which is neutral and non-polar, at codon 1558 of the BRCA1 protein (p.Leu1558Val). This variant is not present in population databases (gnomAD no frequency). This variant has not been reported in the literature in individuals affected with BRCA1-related conditions. ClinVar contains an entry for this variant (Variation ID: 479263). Invitae Evidence Modeling of protein sequence and biophysical properties (such as structural, functional, and spatial information, amino acid conservation, physicochemical variation, residue mobility, and thermodynamic stability) indicates that this missense variant is not expected to disrupt BRCA1 protein function with a negative predictive value of 95%. Algorithms developed to predict the effect of sequence changes on RNA splicing suggest that this variant may disrupt the consensus splice site. In summary, the available evidence is currently insufficient to determine the role of this variant in disease. Therefore, it has been classified as a Variant of Uncertain Significance.

Ambry Genetics
Classification: Uncertain significance for Hereditary cancer-predisposing syndrome. Last evaluated: 2024-11-05. Review status: criteria provided, single submitter. Criteria: Ambry Variant Classification Scheme 2023. Collection method: clinical testing. Allele origin: germline.
Comment: The p.L1558V variant (also known as c.4672C>G), located in coding exon 13 of the BRCA1 gene, results from a C to G substitution at nucleotide position 4672. The leucine at codon 1558 is replaced by valine, an amino acid with highly similar properties. This variant was reported as a germline alteration in an individual with prostate cancer who underwent whole genome sequencing of tumor tissue (White JA et al. Cancer Res Commun. 2022 Sep;2(9):1005-1016). This variant was also reported in an individual with ovarian cancer who had negative tumor HRD testing (Guarischi-Sousa R. Diagnostics (Basel) 2023 Oct;13(21). This nucleotide position is well conserved in available vertebrate species. In silico splice site analysis predicts that this alteration will result in the creation or strengthening of a novel splice donor site. RNA studies have demonstrated that this alteration results in an incomplete splice defect; the clinical impact of this abnormal splicing is unknown at this time (Ambry internal data). This amino acid position is not well conserved in available vertebrate species. In addition, the in silico prediction for the missense impact of this alteration is inconclusive. Based on the available evidence, the clinical significance of this variant remains unclear.

Baylor Genetics
Classification: Uncertain significance for Breast-ovarian cancer, familial, susceptibility to, 1. Last evaluated: 2021-12-11. Review status: criteria provided, single submitter. Criteria: ACMG Guidelines, 2015. Collection method: clinical testing. Allele origin: unknown.

Color Diagnostics, LLC DBA Color Health
Classification: Uncertain significance for Hereditary cancer-predisposing syndrome. Last evaluated: 2020-10-13. Review status: criteria provided, single submitter. Criteria: ACMG Guidelines, 2015. Collection method: clinical testing. Allele origin: germline.
Comment: This missense variant replaces leucine with valine at codon 1558 of the BRCA1 protein. Computational prediction is inconclusive regarding the impact of this variant on protein structure and function (internally defined REVEL score threshold 0.5 < inconclusive < 0.7, PMID: 27666373). To our knowledge, functional studies have not been reported for this variant. This variant has not been reported in individuals affected with hereditary cancer in the literature. This variant has not been identified in the general population by the Genome Aggregation Database (gnomAD). The available evidence is insufficient to determine the role of this variant in disease conclusively. Therefore, this variant is classified as a Variant of Uncertain Significance.

Literature cited by the submitters: PubMed 36922933 (cited by Ambry Genetics); PubMed 37958189 (cited by Ambry Genetics).